The following is an entry in ClinVar:

ClinVar aggregate classification (germline): Benign/Likely benign. Review status: criteria provided, multiple submitters, no conflicts (2 of 4 stars). 7 submissions from 6 submitters: Benign (1); Likely benign (4). 2 of the submissions do not count toward it. Last evaluated 2026-01-26.

Conditions:
Laryngo-onycho-cutaneous syndrome (JEB2C). Also called: EPIDERMOLYSIS BULLOSA, JUNCTIONAL 2C, LARYNGOONYCHOCUTANEOUS; SHABBIR SYNDROME; LOGIC SYNDROME. Identifiers: Orphanet 2407, MedGen C1328355, MONDO:0009513, OMIM 245660.
Junctional epidermolysis bullosa gravis of Herlitz. Also called: EPIDERMOLYSIS BULLOSA JUNCTIONALIS, HERLITZ TYPE; EPIDERMOLYSIS BULLOSA, JUNCTIONAL, HERLITZ-PEARSON TYPE; EPIDERMOLYSIS BULLOSA, JUNCTIONAL 1B, SEVERE; JEB-HERLITZ TYPE; Herlitz-type junctional epidermolysis bullosa; Epidermolysis Bullosa Letalis. Identifiers: Orphanet 79404, MedGen C0079683, MONDO:0009182, OMIM 226700.

Allele frequency attached by ClinVar (database versions not stated): 1000 Genomes Project 0.00040; 1000 Genomes Project 30x 0.00078.
gnomAD v4.1: 5,449 of 1,610,880 alleles (0.34%); highest among the groups gnomAD compares: Non-Finnish European, 0.41%; 11 homozygotes.

Submissions (7):

Labcorp Genetics (formerly Invitae), Labcorp
Classification: Benign. Last evaluated: 2026-01-26. Review status: criteria provided, single submitter. Criteria: Invitae Variant Classification Sherloc (09022015). Collection method: clinical testing. Allele origin: germline.

CeGaT Center for Human Genetics Tuebingen
Classification: Likely benign. Last evaluated: 2025-06-01. Review status: criteria provided, single submitter. Criteria: CeGaT Center For Human Genetics Tuebingen Variant Classification Criteria Version 2. Collection method: clinical testing. Allele origin: germline. Affected: yes. Observed: 1 variant allele.
Comment: LAMA3: BP4

Blueprint Genetics
Classification: Likely benign. Last evaluated: 2024-11-28. Review status: criteria provided, single submitter. Criteria: ACMG Guidelines, 2015. Collection method: clinical testing. Allele origin: germline.

Illumina Laboratory Services, Illumina
Classification: Likely benign for Junctional epidermolysis bullosa gravis of Herlitz. Last evaluated: 2018-01-12. Review status: criteria provided, single submitter. Criteria: ICSL Variant Classification Criteria 13 December 2019. Collection method: clinical testing. Allele origin: germline.
Comment: This variant was observed in the ICSL laboratory as part of a predisposition screen in an ostensibly healthy population. It had not been previously curated by ICSL or reported in the Human Gene Mutation Database (HGMD: prior to June 1st, 2018), and was therefore a candidate for classification through an automated scoring system. Utilizing variant allele frequency, disease prevalence and penetrance estimates, and inheritance mode, an automated score was calculated to assess if this variant is too frequent to cause the disease. Based on the score and internal cut-off values, a variant classified as likely benign is not then subjected to further curation. The score for this variant resulted in a classification of likely benign for this disease.

Illumina Laboratory Services, Illumina
Classification: Likely benign for Laryngo-onycho-cutaneous syndrome. Last evaluated: 2018-01-12. Review status: criteria provided, single submitter. Criteria: ICSL Variant Classification Criteria 13 December 2019. Collection method: clinical testing. Allele origin: germline.
Comment: the same text as in the submission from Illumina Laboratory Services, Illumina above.

Clinical Genetics DNA and cytogenetics Diagnostics Lab, Erasmus MC, Erasmus Medical Center
Classification: Likely benign. Review status: no assertion criteria provided. Collection method: clinical testing. Allele origin: germline. Affected: yes. Study: VKGL Data-share Consensus. Not counted in ClinVar's aggregate classification.

Laboratory of Diagnostic Genome Analysis, Leiden University Medical Center (LUMC)
Classification: Likely benign. Review status: no assertion criteria provided. Collection method: clinical testing. Allele origin: germline. Affected: yes. Study: VKGL Data-share Consensus. Not counted in ClinVar's aggregate classification.

NM_198129.4(LAMA3):c.8576+7G>T

Gene: LAMA3 (laminin subunit alpha 3; plus strand). Cytogenetic location: 18q11.2.
Variant type: single nucleotide variant.
Coding change: c.8576+7G>T on transcript NM_198129.4 (MANE Select); 7 bases into the intron after coding-DNA position 8576, G replaced by T.
Molecular consequence: intron variant.
Genome position (GRCh38, 1-based): chr18:23,931,208, G>T. VCF-style: chr18-23931208-G-T. GRCh37 (hg19) VCF-style: chr18-21511172-G-T.
Other names: c.8408+7G>T (NM_001127717.4); c.3749+7G>T (NM_000227.6); c.3581+7G>T (NM_001127718.4).
Identifiers: ClinVar variation 326334 (VCV000326334.26), dbSNP rs1258107, ClinGen allele CA8916946.